The following is an entry in ClinVar:

NM_006361.6(HOXB13):c.649C>T (p.Arg217Cys)

Gene: HOXB13 (homeobox B13; minus strand). Cytogenetic location: 17q21.32.
Variant type: single nucleotide variant.
Coding change: c.649C>T on transcript NM_006361.6 (MANE Select); coding-DNA position 649, C replaced by T.
Protein change: p.Arg217Cys; replaces arginine 217 with cysteine.
Molecular consequence: missense variant.
Genome position (GRCh38, 1-based): chr17:48,726,996, G>A on the plus strand (C>T on the coding strand, the complement: HOXB13 is on the minus strand). VCF-style: chr17-48726996-G-A. GRCh37 (hg19) VCF-style: chr17-46804358-G-A.
Other names: short protein forms R217C.
Identifiers: ClinVar variation 483473 (VCV000483473.24), dbSNP rs139475791, ClinGen allele CA8633933.

ClinVar aggregate classification (germline): Uncertain significance. Review status: criteria provided, multiple submitters, no conflicts (2 of 4 stars). 5 submissions from 5 submitters: Uncertain significance (5). Last evaluated 2026-01-26.

Conditions:
HOXB13-related disorder. Also called: HOXB13-related disorders; HOXB13-related condition.
Hereditary cancer-predisposing syndrome. Also called: Neoplastic Syndromes, Hereditary; Hereditary Cancer Syndrome; Tumor predisposition; Hereditary neoplastic syndrome. Identifiers: Orphanet 140162, MedGen C0027672, MeSH D009386, MONDO:0015356.

Allele frequency attached by ClinVar (database versions not stated): ExAC 0.00012; gnomAD 0.00012 and 0.00013; TOPMed 0.00015; ESP Exome Variant Server 0.00038.
gnomAD v4.1: 404 of 1,611,558 alleles (0.025%); highest among the groups gnomAD compares: Non-Finnish European, 0.033%; no homozygotes.

Submissions (5):

Labcorp Genetics (formerly Invitae), Labcorp
Classification: Uncertain significance. Last evaluated: 2026-01-26. Review status: criteria provided, single submitter. Criteria: Invitae Variant Classification Sherloc (09022015). Collection method: clinical testing. Allele origin: germline.
Comment: This sequence change replaces arginine, which is basic and polar, with cysteine, which is neutral and slightly polar, at codon 217 of the HOXB13 protein (p.Arg217Cys). This variant is present in population databases (rs139475791, gnomAD 0.03%), and has an allele count higher than expected for a pathogenic variant. This missense change has been observed in individual(s) with breast and prostate cancer (PMID: 23064873, 27424772, 32546843). ClinVar contains an entry for this variant (Variation ID: 483473). Invitae Evidence Modeling of protein sequence and biophysical properties (such as structural, functional, and spatial information, amino acid conservation, physicochemical variation, residue mobility, and thermodynamic stability) indicates that this missense variant is expected to disrupt HOXB13 protein function with a positive predictive value of 80%. In summary, the available evidence is currently insufficient to determine the role of this variant in disease. Therefore, it has been classified as a Variant of Uncertain Significance.

PreventionGenetics, part of Exact Sciences
Classification: Uncertain significance for HOXB13-related condition. Last evaluated: 2025-12-22. Review status: criteria provided, single submitter. Criteria: ACMG Guidelines, 2015. Collection method: clinical testing. Allele origin: germline.
Comment: The HOXB13 c.649C>T variant is predicted to result in the amino acid substitution p.Arg217Cys. This variant has been reported in two families with prostate cancer, but did not co-segregate with disease (Xu et al. 2013. PubMed ID: 23064873). It has been reported in a prostate cancer cohort study assessing HOXB13 haplotypes: however, no clinical information was provided (Karlsson et al. 2014. PubMed ID: 22841674). This variant has also been reported in two large breast cancer cohort studies and determined to confer no increased risk of female breast cancer (Liu et al. 2016. PubMed ID: 27424772; Liu et al. 2020. PubMed ID: 32546843). This variant is reported in 0.026% of alleles in individuals of European (Non-Finnish) descent in gnomAD and is interpreted as uncertain significance in ClinVar (Variation ID: 483473). At this time, the clinical significance of this variant is uncertain due to the absence of conclusive functional and genetic evidence.

Ambry Genetics
Classification: Uncertain significance for Hereditary cancer-predisposing syndrome. Last evaluated: 2025-08-29. Review status: criteria provided, single submitter. Criteria: Ambry Variant Classification Scheme 2023. Collection method: clinical testing. Allele origin: germline.

GeneDx
Classification: Uncertain significance. Last evaluated: 2024-12-29. Review status: criteria provided, single submitter. Criteria: GeneDx Variant Classification Process June 2021. Collection method: clinical testing. Allele origin: germline. Affected: yes.
Comment: In silico analysis supports that this missense variant has a deleterious effect on protein structure/function; Observed in two prostate cancer kindreds, but was reported to not segregate with disease (PMID: 23064873); Case-control studies show no significant association with breast cancer (PMID: 27424772, 32546843); This variant is associated with the following publications: (PMID: 27424772, 28798948, 28072499, 22841674, 22236224, 34609407, 19389631, 8756292, 23064873, 32546843)

Quest Diagnostics Nichols Institute San Juan Capistrano
Classification: Uncertain significance. Last evaluated: 2024-09-19. Review status: criteria provided, single submitter. Criteria: Quest Diagnostics criteria. Collection method: clinical testing. Allele origin: unknown.
Comment: The HOXB13 c.649C>T (p.Arg217Cys) variant has been reported in individuals with prostate cancer (PMID: 23064873 (2013)) in the published literature. This variant has also been observed in individuals with breast cancer as well as in reportedly healthy individuals (PMID: 27424772 (2016)). The frequency of this variant in the general population, 0.00026 (34/128928 chromosomes in European (Non-Finnish) subpopulation (Genome Aggregation Database)), is higher than would generally be expected for pathogenic variants in this gene. Analysis of this variant using bioinformatics tools for the prediction of the effect of amino acid changes on protein structure and function yielded predictions that this variant is damaging. Based on the available information, we are unable to determine the clinical significance of this variant.

Literature cited by the submitters: PubMed 23064873 (cited by Labcorp Genetics (formerly Invitae), Labcorp and Quest Diagnostics Nichols Institute San Juan Capistrano); PubMed 27424772 (cited by Labcorp Genetics (formerly Invitae), Labcorp and Quest Diagnostics Nichols Institute San Juan Capistrano); PubMed 32546843 (cited by Labcorp Genetics (formerly Invitae), Labcorp and Quest Diagnostics Nichols Institute San Juan Capistrano); PubMed 22841674 (cited by Quest Diagnostics Nichols Institute San Juan Capistrano); PubMed 34609407 (cited by Quest Diagnostics Nichols Institute San Juan Capistrano).